The following is an entry in ClinVar:

ClinVar aggregate classification (germline): Benign/Likely benign. Review status: criteria provided, multiple submitters, no conflicts (2 of 4 stars). 4 submissions from 4 submitters: Benign (1); Likely benign (3). Last evaluated 2026-03-27.

Allele frequency attached by ClinVar (database versions not stated): 1000 Genomes Project 0.01498; 1000 Genomes Project 30x 0.01530; gnomAD 0.02276 and 0.02289; TOPMed 0.02304; ESP Exome Variant Server 0.02407; gnomAD exomes 0.02805 and 0.03098; ExAC 0.02869.
gnomAD v4.1: 48,866 of 1,614,202 alleles (3%); highest among the groups gnomAD compares: Middle Eastern, 5.7%; 857 homozygotes.

Submissions (4):

Molecular Diagnostic Laboratory for Inherited Cardiovascular Disease, Montreal Heart Institute
Classification: Likely benign. Last evaluated: 2026-03-27. Review status: criteria provided, single submitter. Criteria: ACMG Guidelines, 2015. Collection method: clinical testing. Allele origin: germline. Affected: no.

Blueprint Genetics
Classification: Benign. Last evaluated: 2024-11-28. Review status: criteria provided, single submitter. Criteria: ACMG Guidelines, 2015. Collection method: clinical testing. Allele origin: germline.

GeneDx
Classification: Likely benign. Last evaluated: 2024-06-26. Review status: criteria provided, single submitter. Criteria: GeneDx Variant Classification Process June 2021. Collection method: clinical testing. Allele origin: germline. Affected: yes.
Comment: See Variant Classification Assertion Criteria.

Breakthrough Genomics
Classification: Likely benign. Review status: criteria provided, single submitter. Criteria: ACMG Guidelines, 2015. Collection method: not provided. Allele origin: germline. Inheritance: Autosomal dominant inheritance. Affected: yes.

NM_001281740.3(FHOD3):c.2321A>G (p.Gln774Arg)

Gene: FHOD3 (formin homology 2 domain containing 3; plus strand). Cytogenetic location: 18q12.2.
Variant type: single nucleotide variant.
Coding change: c.2321A>G on transcript NM_001281740.3 (MANE Select); coding-DNA position 2321, A replaced by G.
Protein change: p.Gln774Arg; replaces glutamine 774 with arginine.
Molecular consequence: missense variant.
Genome position (GRCh38, 1-based): chr18:36,709,179, A>G. VCF-style: chr18-36709179-A-G. GRCh37 (hg19) VCF-style: chr18-34289142-A-G.
Other names: c.1745A>G, p.Gln582Arg (NM_001281739.3); c.1796A>G, p.Gln599Arg (NM_025135.5); short protein forms Q582R, Q599R, Q774R.
Identifiers: ClinVar variation 1317614 (VCV001317614.6), dbSNP rs61735994, ClinGen allele CA8941843.